The following is an entry in ClinVar:

ClinVar aggregate classification (germline): Uncertain significance (1 of 4 stars; one submission).

Submission:

Labcorp Genetics (formerly Invitae), Labcorp
Classification: Uncertain significance. Last evaluated: 2025-08-11. Review status: criteria provided, single submitter. Criteria: Invitae Variant Classification Sherloc (09022015). Collection method: clinical testing. Allele origin: germline.
Comment: This sequence change replaces serine, which is neutral and polar, with proline, which is neutral and non-polar, at codon 1044 of the CAD protein (p.Ser1044Pro). This variant is not present in population databases (gnomAD no frequency). This variant has not been reported in the literature in individuals affected with CAD-related conditions. ClinVar contains an entry for this variant (Variation ID: 1471404). Invitae Evidence Modeling of protein sequence and biophysical properties (such as structural, functional, and spatial information, amino acid conservation, physicochemical variation, residue mobility, and thermodynamic stability) indicates that this missense variant is not expected to disrupt CAD protein function with a negative predictive value of 80%. In summary, the available evidence is currently insufficient to determine the role of this variant in disease. Therefore, it has been classified as a Variant of Uncertain Significance.

NM_004341.5(CAD):c.3130T>C (p.Ser1044Pro)

Gene: CAD (carbamoyl-phosphate synthetase 2, aspartate transcarbamylase, and dihydroorotase; plus strand). Cytogenetic location: 2p23.3.
Variant type: single nucleotide variant.
Coding change: c.3130T>C on transcript NM_004341.5 (MANE Select); coding-DNA position 3130, T replaced by C.
Protein change: p.Ser1044Pro; replaces serine 1044 with proline.
Molecular consequence: missense variant.
Genome position (GRCh38, 1-based): chr2:27,233,450, T>C. VCF-style: chr2-27233450-T-C. GRCh37 (hg19) VCF-style: chr2-27456318-T-C.
Other names: c.2941T>C, p.Ser981Pro (NM_001306079.2); short protein forms S1044P, S981P.
Identifiers: ClinVar variation 1471404 (VCV001471404.6), dbSNP rs2148078400, ClinGen allele CA346213750.
Genomic context (GRCh38, chr2:27,233,450, plus strand): 5'-GCCATGGCGTTGCATCGGCAGCAGTGCCGGGTGCTGGGCACCTCCCCTGAAGCCATTGAC[T>C]CGGCTGAGAACCGTTTCAAGTTTTCCCGGCTCCTTGACACCATTGGTATCAGCCAGCCTC-3'
Protein context (NP_004332.2, residues 1034-1054): VLGTSPEAID[Ser1044Pro]AENRFKFSRL